The following is an entry in ClinVar:

ClinVar aggregate classification (germline): Uncertain significance (1 of 4 stars; one submission).

Conditions:
Charcot-Marie-Tooth disease type 4. Also called: Charcot-Marie-Tooth, Type 4; Charcot-Marie-Tooth disease, type IV. Identifiers: Orphanet 64749, MedGen C4082197, MONDO:0018995.

Allele frequency attached by ClinVar (database versions not stated): ExAC 0.00001; TOPMed 0.00002; gnomAD 0.00003.
gnomAD v4.1: 3 of 1,600,210 alleles (0.00019%); highest among the groups gnomAD compares: African/African-American, 0.004%; no homozygotes.

Submission:

Labcorp Genetics (formerly Invitae), Labcorp
Classification: Uncertain significance for Charcot-Marie-Tooth disease type 4. Last evaluated: 2017-10-30. Review status: criteria provided, single submitter. Criteria: Invitae Variant Classification Sherloc (09022015). Collection method: clinical testing. Allele origin: germline.
Comment: In summary, the available evidence is currently insufficient to determine the role of this variant in disease. Therefore, it has been classified as a Variant of Uncertain Significance. This sequence change replaces serine with threonine at codon 278 of the SBF2 protein (p.Ser278Thr). The serine residue is highly conserved and there is a small physicochemical difference between serine and threonine. This variant is present in population databases (rs746749228, ExAC 0.01%). This variant has not been reported in the literature in individuals with SBF2-related disease. Algorithms developed to predict the effect of missense changes on protein structure and function do not agree on the potential impact of this missense change (SIFT: "Deleterious"; PolyPhen-2: "Possibly Damaging"; Align-GVGD: "Class C0").

NM_030962.4(SBF2):c.832T>A (p.Ser278Thr)

Gene: SBF2 (SET binding factor 2; minus strand). Cytogenetic location: 11p15.4.
Variant type: single nucleotide variant.
Coding change: c.832T>A on transcript NM_030962.4 (MANE Select); coding-DNA position 832, T replaced by A.
Protein change: p.Ser278Thr; replaces serine 278 with threonine.
Molecular consequence: missense variant.
Genome position (GRCh38, 1-based): chr11:10,000,943, A>T on the plus strand (T>A on the coding strand, the complement: SBF2 is on the minus strand). VCF-style: chr11-10000943-A-T. GRCh37 (hg19) VCF-style: chr11-10022490-A-T.
Other names: c.832T>A, p.Ser278Thr (NM_001386339.1, NM_001386342.1); short protein forms S278T.
Identifiers: ClinVar variation 543410 (VCV000543410.9), dbSNP rs746749228, ClinGen allele CA5881999.